The following is an entry in ClinVar:

ClinVar aggregate classification (germline): Likely pathogenic (1 of 4 stars; one submission).

Conditions:
Zellweger spectrum disorders (ZS). Also called: Zellweger Spectrum Disorder (ZSD); Zellweger syndrome; Zellweger Spectrum Disorder; Zellweger Spectrum. Identifiers: Orphanet 912, MedGen C0043459, MONDO:0019609.

Submission:

Natera, Inc.
Classification: Likely pathogenic for Zellweger syndrome. Last evaluated: 2025-09-19. Review status: criteria provided, single submitter. Criteria: Natera Variant Classification Schema (03/2026). Collection method: clinical testing. Allele origin: germline.
Comment: The c.3007_3008del variant in PEX1 is a frameshift variant predicted to shift the reading frame beginning at codon 1003 and leads to a stop codon 6 codons downstream. This variant is expected to result in nonsense mediated decay, truncation, or a dysfunctional protein product. This variant is rare in the general population with a frequency below the threshold expected for the associated phenotype(s). Given the available evidence, this variant is classified as Likely Pathogenic.

NM_000466.3(PEX1):c.3007_3008del (p.Val1003fs)

Genes: PEX1 (peroxisomal biogenesis factor 1; minus strand), GATAD1 (GATA zinc finger domain containing 1; plus strand). Cytogenetic location: 7q21.2.
Variant type: Microsatellite.
Coding change: c.3007_3008del on transcript NM_000466.3 (MANE Select); coding-DNA positions 3007 to 3008, 2 bases deleted (GT; older notation c.3007_3008delGT).
Protein change: p.Val1003fs; shifts the reading frame from valine 1003.
Molecular consequence: frameshift variant.
Genome position (GRCh38, 1-based): chr7:92,494,315-92,494,316, AC deleted on the plus strand (GT on the coding strand, the reverse complement: PEX1 is on the minus strand); deleting any 2 consecutive bases within chr7:92,494,315-92,494,319 gives the same sequence; the c. name uses the placement nearest the transcript's 3' end. VCF-style (leftmost placement, unchanged base first): chr7-92494314-TAC-T. GRCh37 (hg19) VCF-style: chr7-92123628-TAC-T.
Other names: c.2836_2837del, p.Val946fs (NM_001282677.2); c.2383_2384del, p.Val795fs (NM_001282678.2); short protein forms V1003fs, V795fs, V946fs.
Identifiers: ClinVar variation 4818397 (VCV004818397.1).